The following is an entry in ClinVar:

ClinVar aggregate classification (germline): Likely benign (1 of 4 stars; one submission).

gnomAD v4.1: 676 of 1,613,632 alleles (0.042%); highest among the groups gnomAD compares: Admixed American, 0.31%; 1 homozygote.

Submission:

Mayo Clinic Laboratories, Mayo Clinic
Classification: Likely benign. Last evaluated: 2025-09-09. Review status: criteria provided, single submitter. Criteria: ACMG Guidelines, 2015. Collection method: clinical testing. Allele origin: germline. Observed: 1 variant allele.
Comment: BP4, BP7

NM_194291.3(TMEM65):c.657A>G (p.Leu219=)

Gene: TMEM65 (transmembrane protein 65; minus strand). Cytogenetic location: 8q24.13.
Variant type: single nucleotide variant.
Coding change: c.657A>G on transcript NM_194291.3 (MANE Select); coding-DNA position 657, A replaced by G.
Protein change: p.Leu219=; no amino-acid change (leucine 219 retained).
Molecular consequence: synonymous variant.
Genome position (GRCh38, 1-based): chr8:124,314,026, T>C on the plus strand (A>G on the coding strand, the complement: TMEM65 is on the minus strand). VCF-style: chr8-124314026-T-C. GRCh37 (hg19) VCF-style: chr8-125326267-T-C.
Other names: p.Leu219=.
Identifiers: ClinVar variation 4683356 (VCV004683356.1).